The following is an entry in ClinVar:

ClinVar aggregate classification (germline): Uncertain significance. Review status: criteria provided, multiple submitters, no conflicts (2 of 4 stars). 3 submissions from 3 submitters: Uncertain significance (3). Last evaluated 2026-01-05.

Conditions:
Autosomal recessive limb-girdle muscular dystrophy type 2L (LGMDR12). Also called: Limb-girdle muscular dystrophy, type 2L; Limb-Girdle Muscular Dystrophy R12 Anoctamin-5-Related (LGMD-R12); MUSCULAR DYSTROPHY, LIMB-GIRDLE, AUTOSOMAL RECESSIVE 12. Identifiers: Orphanet 206549, MedGen C1969785, MONDO:0012652, OMIM 611307.
Gnathodiaphyseal dysplasia (GDD). Also called: GNATHODIAPHYSEAL SCLEROSIS; OSTEOGENESIS IMPERFECTA WITH UNUSUAL SKELETAL LESIONS. Identifiers: Orphanet 53697, MedGen C1833736, MONDO:0008151, OMIM 166260.

Allele frequency attached by ClinVar (database versions not stated): gnomAD 0.00002; gnomAD exomes 0.00004 and 0.00008; TOPMed 0.00005; ExAC 0.00008; ESP Exome Variant Server 0.00008.
gnomAD v4.1: 69 of 1,612,768 alleles (0.0043%); highest among the groups gnomAD compares: Middle Eastern, 0.066%; no homozygotes.

Submissions (3):

Labcorp Genetics (formerly Invitae), Labcorp
Classification: Uncertain significance for Autosomal recessive limb-girdle muscular dystrophy type 2L; Gnathodiaphyseal dysplasia. Last evaluated: 2026-01-05. Review status: criteria provided, single submitter. Criteria: Invitae Variant Classification Sherloc (09022015). Collection method: clinical testing. Allele origin: germline.
Comment: This sequence change falls in intron 20 of the ANO5 gene. It does not directly change the encoded amino acid sequence of the ANO5 protein. It affects a nucleotide within the consensus splice site. This variant is present in population databases (rs199548403, gnomAD 0.03%). This variant has not been reported in the literature in individuals affected with ANO5-related conditions. ClinVar contains an entry for this variant (Variation ID: 288945). Variants that disrupt the consensus splice site are a relatively common cause of aberrant splicing (PMID: 17576681, 9536098). Algorithms developed to predict the effect of sequence changes on RNA splicing suggest that this variant is not likely to affect RNA splicing. In summary, the available evidence is currently insufficient to determine the role of this variant in disease. Therefore, it has been classified as a Variant of Uncertain Significance.

Revvity Omics, Revvity
Classification: Uncertain significance. Last evaluated: 2020-09-30. Review status: criteria provided, single submitter. Criteria: ACMG Guidelines, 2015. Collection method: clinical testing. Allele origin: germline.

Eurofins Ntd Llc (ga)
Classification: Uncertain significance. Last evaluated: 2016-06-23. Review status: criteria provided, single submitter. Criteria: EGL Classification Definitions 2015. Collection method: clinical testing. Allele origin: germline. Observed: 1 variant allele, 1 heterozygote.

Literature cited by the submitters: PubMed 17576681 (cited by Labcorp Genetics (formerly Invitae), Labcorp); PubMed 9536098 (cited by Labcorp Genetics (formerly Invitae), Labcorp).

NM_213599.3(ANO5):c.2414+3G>A

Gene: ANO5 (anoctamin 5; plus strand). Cytogenetic location: 11p14.3.
Variant type: single nucleotide variant.
Coding change: c.2414+3G>A on transcript NM_213599.3 (MANE Select); 3 bases into the intron after coding-DNA position 2414, G replaced by A.
Molecular consequence: intron variant.
Genome position (GRCh38, 1-based): chr11:22,274,750, G>A. VCF-style: chr11-22274750-G-A. GRCh37 (hg19) VCF-style: chr11-22296296-G-A.
Other names: c.2411+3G>A (NM_001142649.2).
Identifiers: ClinVar variation 288945 (VCV000288945.16), dbSNP rs199548403, ClinGen allele CA5923544.